The following is an entry in ClinVar:

NM_006019.4(TCIRG1):c.2002G>A (p.Ala668Thr)

Gene: TCIRG1 (T cell immune regulator 1, ATPase H+ transporting V0 subunit a3; plus strand). Cytogenetic location: 11q13.2.
Variant type: single nucleotide variant.
Coding change: c.2002G>A on transcript NM_006019.4 (MANE Select); coding-DNA position 2002, G replaced by A.
Protein change: p.Ala668Thr; replaces alanine 668 with threonine.
Molecular consequence: missense variant.
Genome position (GRCh38, 1-based): chr11:68,049,777, G>A. VCF-style: chr11-68049777-G-A. GRCh37 (hg19) VCF-style: chr11-67817244-G-A.
Other names: c.1108G>A, p.Ala370Thr (NM_001351059.2); c.1354G>A, p.Ala452Thr (NM_006053.4); c.2002G>A (NM_006019.3); short protein forms A452T, A370T, A668T.
Identifiers: ClinVar variation 3705764 (VCV003705764.3).

ClinVar aggregate classification (germline): Conflicting classifications of pathogenicity. Review status: criteria provided, conflicting classifications (1 of 4 stars). 2 submissions from 2 submitters: Uncertain significance (1); Likely benign (1). Last evaluated 2025-07-12.

Conditions:
Inborn genetic diseases. Identifiers: MedGen C0950123, MeSH D030342.

gnomAD v4.1: 31 of 1,571,442 alleles (0.002%); highest among the groups gnomAD compares: South Asian, 0.014%; 1 homozygote.

Submissions (2):

Ambry Genetics
Classification: Likely benign for Inborn genetic diseases. Last evaluated: 2025-07-12. Review status: criteria provided, single submitter. Criteria: Ambry Variant Classification Scheme 2023. Collection method: clinical testing. Allele origin: germline.

Labcorp Genetics (formerly Invitae), Labcorp
Classification: Uncertain significance. Last evaluated: 2025-01-29. Review status: criteria provided, single submitter. Criteria: Invitae Variant Classification Sherloc (09022015). Collection method: clinical testing. Allele origin: germline.
Comment: This sequence change replaces alanine, which is neutral and non-polar, with threonine, which is neutral and polar, at codon 668 of the TCIRG1 protein (p.Ala668Thr). The frequency data for this variant in the population databases is considered unreliable, as metrics indicate poor data quality at this position in the gnomAD database. This variant has not been reported in the literature in individuals affected with TCIRG1-related conditions. Invitae Evidence Modeling of protein sequence and biophysical properties (such as structural, functional, and spatial information, amino acid conservation, physicochemical variation, residue mobility, and thermodynamic stability) indicates that this missense variant is not expected to disrupt TCIRG1 protein function with a negative predictive value of 80%. In summary, the available evidence is currently insufficient to determine the role of this variant in disease. Therefore, it has been classified as a Variant of Uncertain Significance.